The following is an entry in ClinVar:

NM_000539.3(RHO):c.1034T>A (p.Val345Glu)

Gene: RHO (rhodopsin; plus strand). Cytogenetic location: 3q22.1.
Variant type: single nucleotide variant.
Coding change: c.1034T>A on transcript NM_000539.3 (MANE Select); coding-DNA position 1034, T replaced by A.
Protein change: p.Val345Glu; replaces valine 345 with glutamic acid.
Molecular consequence: missense variant.
Genome position (GRCh38, 1-based): chr3:129,533,705, T>A. VCF-style: chr3-129533705-T-A. GRCh37 (hg19) VCF-style: chr3-129252548-T-A.
Other names: short protein forms V345E.
Identifiers: ClinVar variation 866976 (VCV000866976.9), dbSNP rs1578281706, ClinGen allele CA354471271.
Genomic context (GRCh38, chr3:129,533,705, plus strand): 5'-AGAACCCACTGGGTGACGATGAGGCCTCTGCTACCGTGTCCAAGACGGAGACGAGCCAGG[T>A]GGCCCCGGCCTAAGACCTGCCTAGGACTCTGTGGCCGACTATAGGCGTCTCCCATCCCCT-3'
Protein context (NP_000530.1, residues 335-348): ATVSKTETSQ[Val345Glu]APA

ClinVar aggregate classification (germline): Conflicting classifications of pathogenicity. Review status: criteria provided, conflicting classifications (1 of 4 stars). 3 submissions from 3 submitters: Likely pathogenic (2); Uncertain significance (1). Last evaluated 2026-08-13.

Conditions:
RHO-related disorder. Also called: RHO-related condition.

Submissions (3):

PreventionGenetics, part of Exact Sciences
Classification: Uncertain significance for RHO-related condition. Last evaluated: 2026-08-13. Review status: criteria provided, single submitter. Criteria: ACMG Guidelines, 2015. Collection method: clinical testing. Allele origin: germline.
Comment: The RHO c.1034T>A variant is predicted to result in the amino acid substitution p.Val345Glu. To our knowledge, this variant has not been reported in the literature. Alternate missense changes at the same amino acid position (p.Val345Leu and p.Val345Met) have been reported in individuals with retinitis pigmentosa or inherited retinal disease (IRD) (Xu et al. 2014. PubMed ID: 24938718; Table S1, Lin et al. 2024. PubMed ID: 38219857). This variant is absent in a large population database (gnomAD), indicating this variant is rare. Although we suspect that this variant may be pathogenic, at this time, the clinical significance of this variant is uncertain due to the absence of conclusive functional and genetic evidence.

Labcorp Genetics (formerly Invitae), Labcorp
Classification: Likely pathogenic. Last evaluated: 2024-03-13. Review status: criteria provided, single submitter. Criteria: Invitae Variant Classification Sherloc (09022015). Collection method: clinical testing. Allele origin: germline.
Comment: This sequence change replaces valine, which is neutral and non-polar, with glutamic acid, which is acidic and polar, at codon 345 of the RHO protein (p.Val345Glu). This variant is not present in population databases (gnomAD no frequency). This missense change has been observed in individual(s) with autosomal dominant retinitis pigmentosa (Invitae). ClinVar contains an entry for this variant (Variation ID: 866976). Advanced modeling of protein sequence and biophysical properties (such as structural, functional, and spatial information, amino acid conservation, physicochemical variation, residue mobility, and thermodynamic stability) performed at Invitae indicates that this missense variant is expected to disrupt RHO protein function with a positive predictive value of 95%. This variant disrupts the p.Val345 amino acid residue in RHO. Other variant(s) that disrupt this residue have been determined to be pathogenic (PMID: 1808803, 1833777, 9724753, 17488458). This suggests that this residue is clinically significant, and that variants that disrupt this residue are likely to be disease-causing. In summary, the currently available evidence indicates that the variant is pathogenic, but additional data are needed to prove that conclusively. Therefore, this variant has been classified as Likely Pathogenic.

Blueprint Genetics
Classification: Likely pathogenic for RHO-related disorders. Last evaluated: 2022-06-13. Review status: criteria provided, single submitter. Criteria: ACMG Guidelines, 2015. Collection method: clinical testing. Allele origin: germline. Affected: yes. Observed: 2 variant alleles.

Literature cited by the submitters: PubMed 1808803 (cited by Labcorp Genetics (formerly Invitae), Labcorp); PubMed 1833777 (cited by Labcorp Genetics (formerly Invitae), Labcorp); PubMed 9724753 (cited by Labcorp Genetics (formerly Invitae), Labcorp); PubMed 17488458 (cited by Labcorp Genetics (formerly Invitae), Labcorp).